The following is an entry in ClinVar:

ClinVar aggregate classification (germline): Uncertain significance (1 of 4 stars; one submission).

Allele frequency attached by ClinVar (database versions not stated): gnomAD exomes below 0.00001; TOPMed below 0.00001; gnomAD 0.00001.
gnomAD v4.1: 11 of 1,614,054 alleles (0.00068%); highest among the groups gnomAD compares: Non-Finnish European, 0.00093%; no homozygotes.

Submission:

Labcorp Genetics (formerly Invitae), Labcorp
Classification: Uncertain significance. Last evaluated: 2025-05-19. Review status: criteria provided, single submitter. Criteria: Invitae Variant Classification Sherloc (09022015). Collection method: clinical testing. Allele origin: germline.
Comment: This sequence change replaces alanine, which is neutral and non-polar, with valine, which is neutral and non-polar, at codon 105 of the GALNT3 protein (p.Ala105Val). This variant is present in population databases (no rsID available, gnomAD 0.002%). This variant has not been reported in the literature in individuals affected with GALNT3-related conditions. ClinVar contains an entry for this variant (Variation ID: 1481927). An algorithm developed to predict the effect of missense changes on protein structure and function (PolyPhen-2) suggests that this variant is likely to be tolerated. In summary, the available evidence is currently insufficient to determine the role of this variant in disease. Therefore, it has been classified as a Variant of Uncertain Significance.

NM_004482.4(GALNT3):c.314C>T (p.Ala105Val)

Gene: GALNT3 (polypeptide N-acetylgalactosaminyltransferase 3; minus strand). Cytogenetic location: 2q24.3.
Variant type: single nucleotide variant.
Coding change: c.314C>T on transcript NM_004482.4 (MANE Select); coding-DNA position 314, C replaced by T.
Protein change: p.Ala105Val; replaces alanine 105 with valine.
Molecular consequence: missense variant.
Genome position (GRCh38, 1-based): chr2:165,770,387, G>A on the plus strand (C>T on the coding strand, the complement: GALNT3 is on the minus strand). VCF-style: chr2-165770387-G-A. GRCh37 (hg19) VCF-style: chr2-166626897-G-A.
Other names: short protein forms A105V.
Identifiers: ClinVar variation 1481927 (VCV001481927.4), dbSNP rs976250315, ClinGen allele CA59754589.